The following is an entry in ClinVar:

NM_000179.3(MSH6):c.314G>T (p.Trp105Leu)

Gene: MSH6 (mutS homolog 6; plus strand). Cytogenetic location: 2p16.3.
Variant type: single nucleotide variant.
Coding change: c.314G>T on transcript NM_000179.3 (MANE Select); coding-DNA position 314, G replaced by T.
Protein change: p.Trp105Leu; replaces tryptophan 105 with leucine.
Molecular consequence: missense variant. On other transcripts: 5 prime UTR variant (2), intron variant (1).
Genome position (GRCh38, 1-based): chr2:47,790,980, G>T. VCF-style: chr2-47790980-G-T. GRCh37 (hg19) VCF-style: chr2-48018119-G-T.
Other names: c.-423G>T (NM_001281493.2, NM_001406811.1, NM_001406823.1 and 1 more transcripts); c.-589G>T (NM_001281494.2); c.410G>T, p.Trp137Leu (NM_001406795.1, NM_001406802.1); c.314G>T, p.Trp105Leu (NM_001406796.1, NM_001406798.1, NM_001406800.1 and 6 more transcripts); c.17G>T, p.Trp6Leu (NM_001406797.1, NM_001406801.1, NM_001406805.1 and 10 more transcripts); c.236G>T, p.Trp79Leu (NM_001406804.1); c.-615G>T (NM_001406807.1); c.-681G>T (NM_001406814.1); and 2 more; short protein forms W137L, W49L, W6L, W79L, W105L.
Identifiers: ClinVar variation 1955699 (VCV001955699.5), dbSNP rs1558651950, ClinGen allele CA346736846.

ClinVar aggregate classification (germline): Uncertain significance (1 of 4 stars; one submission).

Conditions:
Hereditary nonpolyposis colorectal neoplasms. Identifiers: MedGen C0009405, MeSH D003123.

Submission:

Labcorp Genetics (formerly Invitae), Labcorp
Classification: Uncertain significance for Hereditary nonpolyposis colorectal neoplasms. Last evaluated: 2022-01-19. Review status: criteria provided, single submitter. Criteria: Invitae Variant Classification Sherloc (09022015). Collection method: clinical testing. Allele origin: germline.
Comment: In summary, the available evidence is currently insufficient to determine the role of this variant in disease. Therefore, it has been classified as a Variant of Uncertain Significance. Algorithms developed to predict the effect of missense changes on protein structure and function are either unavailable or do not agree on the potential impact of this missense change (SIFT: "Tolerated"; PolyPhen-2: "Probably Damaging"; Align-GVGD: "Class C0"). This variant has not been reported in the literature in individuals affected with MSH6-related conditions. This variant is not present in population databases (gnomAD no frequency). This sequence change replaces tryptophan, which is neutral and slightly polar, with leucine, which is neutral and non-polar, at codon 105 of the MSH6 protein (p.Trp105Leu).